The following is an entry in ClinVar:

ClinVar aggregate classification (germline): Uncertain significance (1 of 4 stars; one submission).

Submission:

CeGaT Center for Human Genetics Tuebingen
Classification: Uncertain significance. Last evaluated: 2023-10-01. Review status: criteria provided, single submitter. Criteria: CeGaT Center For Human Genetics Tuebingen Variant Classification Criteria Version 2. Collection method: clinical testing. Allele origin: germline. Affected: yes. Observed: 1 variant allele.
Comment: TRRAP: PM2, PS2:Supporting

NM_001375524.1(TRRAP):c.9768_9769dup (p.Tyr3257fs)

Gene: TRRAP (transformation/transcription domain associated protein; plus strand). Cytogenetic location: 7q22.1.
Variant type: Microsatellite.
Coding change: c.9768_9769dup on transcript NM_001375524.1 (MANE Select); coding-DNA positions 9768 to 9769, 2 bases duplicated (GT; older notation c.9768_9769dupGT).
Protein change: p.Tyr3257fs; shifts the reading frame from tyrosine 3257.
Molecular consequence: frameshift variant.
Genome position (GRCh38, 1-based): chr7:98,992,148-98,992,149, GT duplicated; duplicating any 2 consecutive bases within chr7:98,992,146-98,992,149 gives the same sequence; the c. name uses the placement nearest the transcript's 3' end. VCF-style (leftmost placement, unchanged base first): chr7-98992145-C-CGT. GRCh37 (hg19) VCF-style: chr7-98589768-C-CGT.
Other names: c.9780_9781dup, p.Tyr3261fs (NM_001244580.2); c.9693_9694dup, p.Tyr3232fs (NM_003496.4); short protein forms Y3232fs, Y3257fs, Y3261fs.
Identifiers: ClinVar variation 2657714 (VCV002657714.24), dbSNP rs2485004582, ClinGen allele CA2695199594.